The following is an entry in ClinVar:

ClinVar aggregate classification (germline): Uncertain significance (1 of 4 stars; one submission).

Submission:

Ambry Genetics
Classification: Uncertain significance. Last evaluated: 2026-03-11. Review status: criteria provided, single submitter. Criteria: Ambry Variant Classification Scheme 2023. Collection method: clinical testing. Allele origin: germline.
Comment: The p.N303T variant (also known as c.908A>C), located in coding exon 9 of the FAM175A gene, results from an A to C substitution at nucleotide position 908. The asparagine at codon 303 is replaced by threonine, an amino acid with similar properties. This amino acid position is conserved. In addition, this alteration is predicted to be tolerated by in silico analysis. Based on the available evidence, the clinical significance of this variant remains unclear.

NM_139076.3(ABRAXAS1):c.908A>C (p.Asn303Thr)

Gene: ABRAXAS1 (abraxas 1, BRCA1 A complex subunit; minus strand). Cytogenetic location: 4q21.23.
Variant type: single nucleotide variant.
Coding change: c.908A>C on transcript NM_139076.3 (MANE Select); coding-DNA position 908, A replaced by C.
Protein change: p.Asn303Thr; replaces asparagine 303 with threonine.
Molecular consequence: missense variant.
Genome position (GRCh38, 1-based): chr4:83,462,791, T>G on the plus strand (A>C on the coding strand, the complement: ABRAXAS1 is on the minus strand). VCF-style: chr4-83462791-T-G. GRCh37 (hg19) VCF-style: chr4-84383944-T-G.
Other names: c.581A>C, p.Asn194Thr (NM_001345962.2); short protein forms N303T, N194T.
Identifiers: ClinVar variation 4826165 (VCV004826165.1).